The following is an entry in ClinVar:

ClinVar aggregate classification (germline): Uncertain significance (1 of 4 stars; one submission).

Conditions:
Hereditary cancer-predisposing syndrome. Also called: Hereditary Cancer Syndrome; Tumor predisposition; Hereditary neoplastic syndrome; Neoplastic Syndromes, Hereditary. Identifiers: Orphanet 140162, MedGen C0027672, MeSH D009386, MONDO:0015356.

Submission:

Ambry Genetics
Classification: Uncertain significance for Hereditary cancer-predisposing syndrome. Last evaluated: 2024-06-14. Review status: criteria provided, single submitter. Criteria: Ambry Variant Classification Scheme 2023. Collection method: clinical testing. Allele origin: germline.
Comment: The p.L18F variant (also known as c.52C>T), located in coding exon 2 of the BAP1 gene, results from a C to T substitution at nucleotide position 52. The leucine at codon 18 is replaced by phenylalanine, an amino acid with highly similar properties. This amino acid position is conserved. In addition, this alteration is predicted to be deleterious by in silico analysis. Based on the available evidence, the clinical significance of this variant remains unclear.

NM_004656.4(BAP1):c.52C>T (p.Leu18Phe)

Gene: BAP1 (BRCA1 associated deubiquitinase 1; minus strand). Cytogenetic location: 3p21.1.
Variant type: single nucleotide variant.
Coding change: c.52C>T on transcript NM_004656.4 (MANE Select); coding-DNA position 52, C replaced by T.
Protein change: p.Leu18Phe; replaces leucine 18 with phenylalanine.
Molecular consequence: missense variant.
Genome position (GRCh38, 1-based): chr3:52,409,729, G>A on the plus strand (C>T on the coding strand, the complement: BAP1 is on the minus strand). VCF-style: chr3-52409729-G-A. GRCh37 (hg19) VCF-style: chr3-52443745-G-A.
Other names: c.52C>T, p.Leu18Phe (NM_001410772.1); short protein forms L18F.
Identifiers: ClinVar variation 3260400 (VCV003260400.1).